The following is an entry in ClinVar:

NM_001447.3(FAT2):c.10762A>G (p.Ile3588Val)

Genes: FAT2 (FAT atypical cadherin 2; minus strand), SLC36A1 (solute carrier family 36 member 1; plus strand). Cytogenetic location: 5q33.1.
Variant type: single nucleotide variant.
Coding change: c.10762A>G on transcript NM_001447.3 (MANE Select); coding-DNA position 10762, A replaced by G.
Protein change: p.Ile3588Val; replaces isoleucine 3588 with valine.
Molecular consequence: missense variant.
Genome position (GRCh38, 1-based): chr5:151,521,831, T>C on the plus strand (A>G on the coding strand, the complement: FAT2 is on the minus strand). VCF-style: chr5-151521831-T-C. GRCh37 (hg19) VCF-style: chr5-150901392-T-C.
Other names: short protein forms I3588V.
Identifiers: ClinVar variation 4983167 (VCV004983167.1).

ClinVar aggregate classification (germline): Uncertain significance (1 of 4 stars; one submission).

Conditions:
FAT2-related disorder. Also called: FAT2-related condition.

gnomAD v4.1: 10 of 1,614,142 alleles (0.00062%); highest among the groups gnomAD compares: Non-Finnish European, 0.00076%; no homozygotes.

Submission:

PreventionGenetics, part of Exact Sciences
Classification: Uncertain significance for FAT2-related condition. Last evaluated: 2024-11-30. Review status: criteria provided, single submitter. Criteria: ACMG Guidelines, 2015. Collection method: clinical testing. Allele origin: germline.
Comment: The FAT2 c.10762A>G variant is predicted to result in the amino acid substitution p.Ile3588Val. To our knowledge, this variant has not been reported in the literature. This variant is reported in 0.0027% of alleles in individuals of European (Non-Finnish) descent in gnomAD. At this time, the clinical significance of this variant is uncertain due to the absence of conclusive functional and genetic evidence.